The following is an entry in ClinVar:

ClinVar aggregate classification (germline): Pathogenic (1 of 4 stars; one submission).

Conditions:
Brachyolmia-amelogenesis imperfecta syndrome. Also called: PLATYSPONDYLY WITH AMELOGENESIS IMPERFECTA; Tooth agenesis, selective, 6; Dental anomalies and short stature. Identifiers: Orphanet 2899, MedGen C1832594, MONDO:0011018, OMIM 601216. Disease mechanism: loss of function.

Submission:

Labcorp Genetics (formerly Invitae), Labcorp
Classification: Pathogenic for Brachyolmia-amelogenesis imperfecta syndrome. Last evaluated: 2026-01-12. Review status: criteria provided, single submitter. Criteria: Invitae Variant Classification Sherloc (09022015). Collection method: clinical testing. Allele origin: germline.
Comment: This sequence change creates a premature translational stop signal (p.Gly388Cysfs*26) in the LTBP3 gene. It is expected to result in an absent or disrupted protein product. Loss-of-function variants in LTBP3 are known to be pathogenic (PMID: 11790802, 19344874, 25669657). This variant is not present in population databases (gnomAD no frequency). This variant has not been reported in the literature in individuals affected with LTBP3-related conditions. ClinVar contains an entry for this variant (Variation ID: 1452054). For these reasons, this variant has been classified as Pathogenic.

Literature cited by the submitters: PubMed 11790802; PubMed 19344874; PubMed 25669657.

NM_001130144.3(LTBP3):c.1160_1161insGTGT (p.Gly388fs)

Gene: LTBP3 (latent transforming growth factor beta binding protein 3; minus strand). Cytogenetic location: 11q13.1.
Variant type: Insertion.
Coding change: c.1160_1161insGTGT on transcript NM_001130144.3 (MANE Select); coding-DNA positions 1160 to 1161, GTGT inserted.
Protein change: p.Gly388fs; shifts the reading frame from glycine 388.
Molecular consequence: frameshift variant.
Genome position: GRCh38 VCF-style: chr11-65552885-T-TACAC. GRCh37 (hg19) VCF-style: chr11-65320356-T-TACAC.
Other names: c.809_810insGTGT, p.Gly271fs (NM_001164266.1); c.1160_1161insGTGT, p.Gly388fs (NM_021070.4); short protein forms G271fs, G388fs.
Identifiers: ClinVar variation 1452054 (VCV001452054.8), dbSNP rs2135155640, ClinGen allele CA2573147477.